The following is an entry in ClinVar:

ClinVar aggregate classification (germline): Uncertain significance (1 of 4 stars; one submission).

Submission:

Ambry Genetics
Classification: Uncertain significance. Last evaluated: 2025-02-15. Review status: criteria provided, single submitter. Criteria: Ambry Variant Classification Scheme 2023. Collection method: clinical testing. Allele origin: germline.
Comment: The p.L609H variant (also known as c.1826T>A), located in coding exon 9 of the ATRIP gene, results from a T to A substitution at nucleotide position 1826. The leucine at codon 609 is replaced by histidine, an amino acid with similar properties. This amino acid position is conserved. In addition, this alteration is predicted to be deleterious by in silico analysis. Based on the available evidence, the clinical significance of this variant remains unclear.

NM_130384.3(ATRIP):c.1826T>A (p.Leu609His)

Genes: ATRIP (ATR interacting protein; plus strand), ATRIP-TREX1 (ATRIP-TREX1 readthrough; plus strand). Cytogenetic location: 3p21.31.
Variant type: single nucleotide variant.
Coding change: c.1826T>A on transcript NM_130384.3 (MANE Select); coding-DNA position 1826, T replaced by A.
Protein change: p.Leu609His; replaces leucine 609 with histidine.
Molecular consequence: missense variant. On other transcripts: non-coding transcript variant (1).
Genome position (GRCh38, 1-based): chr3:48,463,825, T>A. VCF-style: chr3-48463825-T-A. GRCh37 (hg19) VCF-style: chr3-48505224-T-A.
Other names: c.1445T>A, p.Leu482His (NM_001271022.2); c.1547T>A, p.Leu516His (NM_001271023.2); c.1826T>A, p.Leu609His (NM_032166.4); short protein forms L516H, L609H, L482H.
Identifiers: ClinVar variation 3810772 (VCV003810772.1).